The following is an entry in ClinVar:

NM_025136.4(OPA3):c.532A>G (p.Lys178Glu)

Genes: OPA3 (outer mitochondrial membrane lipid metabolism regulator OPA3; minus strand), OPA3-RTN2 (OPA3-RTN2 readthrough; minus strand). Cytogenetic location: 19q13.32.
Variant type: single nucleotide variant.
Coding change: c.532A>G on transcript NM_025136.4 (MANE Select); coding-DNA position 532, A replaced by G.
Protein change: p.Lys178Glu; replaces lysine 178 with glutamic acid.
Molecular consequence: missense variant. On other transcripts: intron variant (1).
Genome position (GRCh38, 1-based): chr19:45,553,522, T>C on the plus strand (A>G on the coding strand, the complement: OPA3 is on the minus strand). VCF-style: chr19-45553522-T-C. GRCh37 (hg19) VCF-style: chr19-46056780-T-C.
Other names: p.K178E:AAG>GAG; c.143-24066A>G (NM_001017989.3); short protein forms K178E.
Identifiers: ClinVar variation 214926 (VCV000214926.6), dbSNP rs767372876, ClinGen allele CA320351.
Genomic context (GRCh38, chr19:45,553,522, plus strand): 5'-CCACGTTAGGTACATAGGCCATGTCCAAATTCAGGTTCCATCCAGCAAGCTCCTATTTCT[T>C]GGACGCAGGCACTGCGTGGGAAGCGGACCGGCCGGGATTGCAGAGCTGGGCGCGCACCTC-3'
Protein context (NP_079412.1, residues 168-179): RSASHAVPAS[Lys178Glu]K

ClinVar aggregate classification (germline): Conflicting classifications of pathogenicity. Review status: criteria provided, conflicting classifications (1 of 4 stars). 3 submissions from 3 submitters: Uncertain significance (2); Likely benign (1). Last evaluated 2026-06-17.

Conditions:
Inborn genetic diseases. Identifiers: MedGen C0950123, MeSH D030342.
3-Methylglutaconic aciduria type 3 (MGCA3). Also called: OPA3-Related 3-Methylglutaconic Aciduria; Costeff Syndrome; OPA3, AUTOSOMAL RECESSIVE; OPTIC ATROPHY 3, AUTOSOMAL RECESSIVE. Identifiers: Orphanet 67047, MedGen C0574084, MONDO:0009787, OMIM 258501.
Optic atrophy 3 (OPA3). Also called: Optic atrophy, cataract, and neurologic disorder; Optic atrophy 3 with cataract; OPTIC ATROPHY 3, AUTOSOMAL DOMINANT. Identifiers: Orphanet 67036, MedGen C1833809, MONDO:0008133, OMIM 165300.

Allele frequency attached by ClinVar (database versions not stated): gnomAD exomes below 0.00001; ExAC 0.00001.
gnomAD v4.1: 2 of 1,613,258 alleles (0.00012%); highest among the groups gnomAD compares: East Asian, 0.0022%; no homozygotes.

Submissions (3):

Ambry Genetics
Classification: Uncertain significance for Inborn genetic diseases. Last evaluated: 2026-06-17. Review status: criteria provided, single submitter. Criteria: Ambry Variant Classification Scheme 2023. Collection method: clinical testing. Allele origin: germline.

Labcorp Genetics (formerly Invitae), Labcorp
Classification: Uncertain significance for 3-Methylglutaconic aciduria type 3; Optic atrophy 3. Last evaluated: 2025-10-07. Review status: criteria provided, single submitter. Criteria: Invitae Variant Classification Sherloc (09022015). Collection method: clinical testing. Allele origin: germline.
Comment: This sequence change replaces lysine, which is basic and polar, with glutamic acid, which is acidic and polar, at codon 178 of the OPA3 protein (p.Lys178Glu). This variant is present in population databases (rs767372876, gnomAD 0.006%). This variant has not been reported in the literature in individuals affected with OPA3-related conditions. ClinVar contains an entry for this variant (Variation ID: 214926). An algorithm developed to predict the effect of missense changes on protein structure and function (PolyPhen-2) suggests that this variant is likely to be tolerated. In summary, the available evidence is currently insufficient to determine the role of this variant in disease. Therefore, it has been classified as a Variant of Uncertain Significance.

GeneDx
Classification: Likely benign. Last evaluated: 2014-11-14. Review status: criteria provided, single submitter. Criteria: GeneDx Variant Classification (06012015). Collection method: clinical testing. Allele origin: germline. Affected: yes.
Comment: This variant is considered likely benign or benign based on one or more of the following criteria: it is a conservative change, it occurs at a poorly conserved position in the protein, it is predicted to be benign by multiple in silico algorithms, and/or has population frequency not consistent with disease.